The following is an entry in ClinVar:

ClinVar aggregate classification (germline): Uncertain significance (1 of 4 stars; one submission).

Conditions:
Nonsyndromic genetic hearing loss. Also called: Nonsyndromic hearing loss and deafness; Nonsyndromic genetic deafness; Non-syndromic genetic deafness. Identifiers: Orphanet 87884, MedGen C5680182, MONDO:0019497.

Allele frequency attached by ClinVar (database versions not stated): gnomAD 0.00001; TOPMed 0.00002.

Submission:

Molecular Genetics, Royal Melbourne Hospital
Classification: Uncertain significance for Nonsyndromic genetic hearing loss. Last evaluated: 2022-03-03. Review status: criteria provided, single submitter. Criteria: ACMG Guidelines, 2015. Collection method: clinical testing. Allele origin: germline. Affected: yes.
Comment: This sequence change in LHFPL5 is predicted to replace proline with threonine at codon 47, p.(Pro47Thr). The proline residue is highly conserved (100 vertebrates, UCSC), and is located in an extracellular domain. There is a small physicochemical difference between proline and threonine. The highest population minor allele frequency in gnomAD v2.1 is 0.004% (4/113,738 alleles) in the European (non-Finnish) population, which is consistent with recessive disease. To our knowledge, this variant has not been reported in the literature in any individuals with LHFPL5-related disease. Multiple lines of computational evidence predict a deleterious effect for the missense substitution (5/6 algorithms). Based on the classification scheme RMH Modified ACMG Guidelines v1.5.1, this variant is classified as a VARIANT OF UNCERTAIN SIGNIFICANCE. Following criteria are met: PM2_Supporting, PP3.

NM_182548.4(LHFPL5):c.139C>A (p.Pro47Thr)

Gene: LHFPL5 (LHFPL tetraspan subfamily member 5; plus strand). Cytogenetic location: 6p21.31.
Variant type: single nucleotide variant.
Coding change: c.139C>A on transcript NM_182548.4 (MANE Select); coding-DNA position 139, C replaced by A.
Protein change: p.Pro47Thr; replaces proline 47 with threonine.
Molecular consequence: missense variant.
Genome position (GRCh38, 1-based): chr6:35,805,809, C>A. VCF-style: chr6-35805809-C-A. GRCh37 (hg19) VCF-style: chr6-35773586-C-A.
Other names: short protein forms P47T.
Identifiers: ClinVar variation 3068575 (VCV003068575.1), dbSNP rs779440139, ClinGen allele CA3774346.